The following is an entry in ClinVar:

ClinVar aggregate classification (germline): Uncertain significance (1 of 4 stars; one submission).

Conditions:
Optic atrophy 3 (OPA3). Also called: OPTIC ATROPHY 3, AUTOSOMAL DOMINANT; Optic atrophy, cataract, and neurologic disorder; Optic atrophy 3 with cataract. Identifiers: Orphanet 67036, MedGen C1833809, MONDO:0008133, OMIM 165300.
3-Methylglutaconic aciduria type 3 (MGCA3). Also called: OPA3, AUTOSOMAL RECESSIVE; OPTIC ATROPHY 3, AUTOSOMAL RECESSIVE; OPA3-Related 3-Methylglutaconic Aciduria; Costeff Syndrome. Identifiers: Orphanet 67047, MedGen C0574084, MONDO:0009787, OMIM 258501.

Submission:

Labcorp Genetics (formerly Invitae), Labcorp
Classification: Uncertain significance for 3-Methylglutaconic aciduria type 3; Optic atrophy 3. Last evaluated: 2024-12-12. Review status: criteria provided, single submitter. Criteria: Invitae Variant Classification Sherloc (09022015). Collection method: clinical testing. Allele origin: germline.
Comment: This variant, c.423_424delinsCT, is a complex sequence change that results in the deletion of two and insertion of two amino acid(s) in the OPA3 protein (p.Gln141_Ala142delinsHisSer). Information on the frequency of this variant in the gnomAD database is not available, as this variant may be reported differently in the database. This variant has not been reported in the literature in individuals affected with OPA3-related conditions. ClinVar contains an entry for this variant (Variation ID: 2199161). Experimental studies and prediction algorithms are not available or were not evaluated, and the functional significance of this variant is currently unknown. In summary, the available evidence is currently insufficient to determine the role of this variant in disease. Therefore, it has been classified as a Variant of Uncertain Significance.

NM_025136.4(OPA3):c.423_424delinsCT (p.Gln141_Ala142delinsHisSer)

Genes: OPA3 (outer mitochondrial membrane lipid metabolism regulator OPA3; minus strand), OPA3-RTN2 (OPA3-RTN2 readthrough; minus strand). Cytogenetic location: 19q13.32.
Variant type: Indel.
Coding change: c.423_424delinsCT on transcript NM_025136.4 (MANE Select); coding-DNA positions 423 to 424, GG replaced by CT.
Protein change: p.Gln141_Ala142delinsHisSer.
Molecular consequence: missense variant. On other transcripts: intron variant (1).
Genome position (GRCh38, 1-based): chr19:45,553,630-45,553,631, CC replaced by AG on the plus strand (GG replaced by CT on the coding strand, the reverse complement: OPA3 is on the minus strand). VCF-style: chr19-45553630-CC-AG. GRCh37 (hg19) VCF-style: chr19-46056888-CC-AG.
Other names: c.143-24175_143-24174delinsCT (NM_001017989.3).
Identifiers: ClinVar variation 2199161 (VCV002199161.3), dbSNP rs2513823575, ClinGen allele CA2580097491.